The following is an entry in ClinVar:

ClinVar aggregate classification (germline): Pathogenic (1 of 4 stars; one submission).

Conditions:
Camptomelic dysplasia (CMPD). Also called: CMPD1/SRA1; Campomelic Dysplasia. Identifiers: Orphanet 140, MedGen C1861922, MONDO:0007251, OMIM 114290.

Submission:

Labcorp Genetics (formerly Invitae), Labcorp
Classification: Pathogenic for Camptomelic dysplasia. Last evaluated: 2016-09-01. Review status: criteria provided, single submitter. Criteria: Invitae Variant Classification Sherloc (09022015). Collection method: clinical testing. Allele origin: germline.
Comment: This sequence change creates a premature translational stop signal at codon 84 (p.Tyr84*) of the SOX9 gene. It is expected to result in an absent or disrupted protein product. For these reasons, this variant has been classified as Pathogenic. While this particular variant has not been reported in the literature, loss-of-function variants in SOX9 are known to be pathogenic (PMID: 9002675).

Literature cited by the submitters: PubMed 9002675.

NM_000346.4(SOX9):c.252C>G (p.Tyr84Ter)

Genes: SOX9 (SRY-box transcription factor 9; plus strand), LOC108021846 (SOX9 promoter region; plus strand). Cytogenetic location: 17q24.3.
Variant type: single nucleotide variant.
Coding change: c.252C>G on transcript NM_000346.4 (MANE Select); coding-DNA position 252, C replaced by G.
Protein change: p.Tyr84Ter; replaces tyrosine 84 with a stop codon.
Molecular consequence: nonsense.
Genome position (GRCh38, 1-based): chr17:72,121,643, C>G. VCF-style: chr17-72121643-C-G. GRCh37 (hg19) VCF-style: chr17-70117784-C-G.
Other names: short protein forms Y84*.
Identifiers: ClinVar variation 468239 (VCV000468239.9), dbSNP rs1555629022, ClinGen allele CA400865857.
Genomic context (GRCh38, chr17:72,121,643, plus strand): 5'-CGAGGAGGACAAGTTCCCCGTGTGCATCCGCGAGGCGGTCAGCCAGGTGCTCAAAGGCTA[C>G]GACTGGACGCTGGTGCCCATGCCGGTGCGCGTCAACGGCTCCAGCAAGAACAAGCCGCAC-3'